The following is an entry in ClinVar:

ClinVar aggregate classification (germline): Uncertain significance. Review status: criteria provided, multiple submitters, no conflicts (2 of 4 stars). 3 submissions from 3 submitters: Uncertain significance (2). 1 of the submissions does not count toward it. Last evaluated 2022-08-05.

Conditions:
Immunodeficiency 23 (IMD23). Also called: IMMUNODEFICIENCY WITH HYPER IgE AND COGNITIVE IMPAIRMENT; IMMUNODEFICIENCY-VASCULITIS-MYOCLONUS SYNDROME. Identifiers: Orphanet 443811, MedGen C4014371, MONDO:0014353, OMIM 615816.

Allele frequency attached by ClinVar (database versions not stated): gnomAD 0.00001; TOPMed 0.00003.
gnomAD v4.1: 4 of 1,584,010 alleles (0.00025%); no homozygotes.

Submissions (3):

Labcorp Genetics (formerly Invitae), Labcorp
Classification: Uncertain significance for Immunodeficiency 23. Last evaluated: 2022-08-05. Review status: criteria provided, single submitter. Criteria: Invitae Variant Classification Sherloc (09022015). Collection method: clinical testing. Allele origin: germline.
Comment: This sequence change replaces threonine, which is neutral and polar, with proline, which is neutral and non-polar, at codon 404 of the PGM3 protein (p.Thr404Pro). This variant is not present in population databases (gnomAD no frequency). This variant has not been reported in the literature in individuals affected with PGM3-related conditions. ClinVar contains an entry for this variant (Variation ID: 591759). Algorithms developed to predict the effect of missense changes on protein structure and function (SIFT, PolyPhen-2, Align-GVGD) all suggest that this variant is likely to be disruptive. In summary, the available evidence is currently insufficient to determine the role of this variant in disease. Therefore, it has been classified as a Variant of Uncertain Significance.

New York Genome Center
Classification: Uncertain significance for Immunodeficiency 23. Last evaluated: 2021-02-05. Review status: criteria provided, single submitter. Criteria: NYGC Assertion Criteria 2020. Collection method: clinical testing. Allele origin: germline. Observed: 1 heterozygote. Study: CSER-NYCKidSeq.

Gharavi Laboratory, Columbia University
Classification: Uncertain significance. Last evaluated: 2018-09-16. Review status: no assertion criteria provided. Criteria: ACMG Guidelines, 2015. Collection method: research. Allele origin: germline. Affected: yes. Not counted in ClinVar's aggregate classification.

NM_015599.3(PGM3):c.1126A>C (p.Thr376Pro)

Gene: PGM3 (phosphoglucomutase 3; minus strand). Cytogenetic location: 6q14.1.
Variant type: single nucleotide variant.
Coding change: c.1126A>C on transcript NM_015599.3 (MANE Select); coding-DNA position 1126, A replaced by C.
Protein change: p.Thr376Pro; replaces threonine 376 with proline.
Molecular consequence: missense variant. On other transcripts: non-coding transcript variant (1).
Genome position (GRCh38, 1-based): chr6:83,175,964, T>G on the plus strand (A>C on the coding strand, the complement: PGM3 is on the minus strand). VCF-style: chr6-83175964-T-G. GRCh37 (hg19) VCF-style: chr6-83885683-T-G.
Other names: c.1210A>C, p.Thr404Pro (NM_001199917.2, NM_001367287.1); c.883A>C, p.Thr295Pro (NM_001199918.2); c.1126A>C, p.Thr376Pro (NM_001199919.2, NM_001367286.1); short protein forms T376P, T295P, T404P.
Identifiers: ClinVar variation 591759 (VCV000591759.7), dbSNP rs1562417226, ClinGen allele CA364880409.
Genomic context (GRCh38, chr6:83,175,964, plus strand): 5'-GAAGTCTCATCATAAAGAAAAGTGCCAGCTAAGGCCAACTATAATTAAGAGAACTTACAG[T>G]GCCATGCCCATTTGCTTCAAAATAAACTCCAATGTCAAACTCTTGAGCCTTGTGGTGCAA-3'
Protein context (NP_056414.1, residues 366-386): GVYFEANGHG[Thr376Pro]ALFSTAVEMK